The following is an entry in ClinVar:

ClinVar aggregate classification (germline): Uncertain significance (1 of 4 stars; one submission).

gnomAD v4.1: 1 of 1,613,276 alleles (0.000062%); highest among the groups gnomAD compares: Non-Finnish European, 0.000085%; no homozygotes.

Submission:

CeGaT Center for Human Genetics Tuebingen
Classification: Uncertain significance. Last evaluated: 2026-01-01. Review status: criteria provided, single submitter. Criteria: CeGaT Center For Human Genetics Tuebingen Variant Classification Criteria Version 2. Collection method: clinical testing. Allele origin: germline. Affected: yes. Observed: 1 variant allele.
Comment: SACS: PM2

NM_014363.6(SACS):c.6998C>A (p.Thr2333Asn)

Gene: SACS (sacsin molecular chaperone; minus strand). Cytogenetic location: 13q12.12.
Variant type: single nucleotide variant.
Coding change: c.6998C>A on transcript NM_014363.6 (MANE Select); coding-DNA position 6998, C replaced by A.
Protein change: p.Thr2333Asn; replaces threonine 2333 with asparagine.
Molecular consequence: missense variant.
Genome position (GRCh38, 1-based): chr13:23,336,878, G>T on the plus strand (C>A on the coding strand, the complement: SACS is on the minus strand). VCF-style: chr13-23336878-G-T. GRCh37 (hg19) VCF-style: chr13-23911017-G-T.
Other names: c.6557C>A, p.Thr2186Asn (NM_001278055.2); c.7025C>A, p.Thr2342Asn (NM_001437336.1); short protein forms T2186N, T2333N, T2342N.
Identifiers: ClinVar variation 4822963 (VCV004822963.4).